The following is an entry in ClinVar:

ClinVar aggregate classification (germline): Likely benign (1 of 4 stars; one submission).

Conditions:
Joubert syndrome 14 (JBTS14). Identifiers: MedGen C3280766, MONDO:0013745, OMIM 614424.

Allele frequency attached by ClinVar (database versions not stated): gnomAD 0.00399 and 0.00417; TOPMed 0.00446; 1000 Genomes Project 0.00479; 1000 Genomes Project 30x 0.00562.

Submission:

Illumina Laboratory Services, Illumina
Classification: Likely benign for Joubert syndrome 14. Last evaluated: 2018-01-13. Review status: criteria provided, single submitter. Criteria: ICSL Variant Classification Criteria 13 December 2019. Collection method: clinical testing. Allele origin: germline.
Comment: This variant was observed in the ICSL laboratory as part of a predisposition screen in an ostensibly healthy population. It had not been previously curated by ICSL or reported in the Human Gene Mutation Database (HGMD: prior to June 1st, 2018), and was therefore a candidate for classification through an automated scoring system. Utilizing variant allele frequency, disease prevalence and penetrance estimates, and inheritance mode, an automated score was calculated to assess if this variant is too frequent to cause the disease. Based on the score and internal cut-off values, a variant classified as likely benign is not then subjected to further curation. The score for this variant resulted in a classification of likely benign for this disease.

NM_001044385.3(TMEM237):c.*1975C>G

Gene: TMEM237 (transmembrane protein 237; minus strand). Cytogenetic location: 2q33.1.
Variant type: single nucleotide variant.
Coding change: c.*1975C>G on transcript NM_001044385.3 (MANE Select); 1975 bases downstream of the stop codon, C replaced by G.
Molecular consequence: 3 prime UTR variant.
Genome position (GRCh38, 1-based): chr2:201,622,280, G>C on the plus strand (C>G on the coding strand, the complement: TMEM237 is on the minus strand). VCF-style: chr2-201622280-G-C. GRCh37 (hg19) VCF-style: chr2-202487003-G-C.
Other names: c.*1975C>G (NM_152388.4).
Identifiers: ClinVar variation 897712 (VCV000897712.4), dbSNP rs142233268, ClinGen allele CA63948832.
Genomic context (GRCh38, chr2:201,622,280, plus strand): 5'-CCACAGCAGCTCTAGCCTTCTTTATTCTCTAGGATATATAGCTTTCTATTGCTGCCATAA[G>C]CAATCACCACCAATTTAGCAGCTTAGTCAACATACACTTGCTATCTTACAGTTCTGTATG-3'